The following is an entry in ClinVar:

ClinVar aggregate classification (germline): Uncertain significance (1 of 4 stars; one submission).

Conditions:
Hereditary hemorrhagic telangiectasia (HHT). Also called: Osler hemorrhagic telangiectasia syndrome; ORW DISEASE; Osler Weber Rendu syndrome; OSLER-RENDU-WEBER DISEASE. Identifiers: Orphanet 774, MedGen C0039445, MONDO:0019180. Disease mechanism: loss of function.

Submission:

Labcorp Genetics (formerly Invitae), Labcorp
Classification: Uncertain significance for Hereditary hemorrhagic telangiectasia. Last evaluated: 2020-06-10. Review status: criteria provided, single submitter. Criteria: Invitae Variant Classification Sherloc (09022015). Collection method: clinical testing. Allele origin: germline.
Comment: In summary, the available evidence is currently insufficient to determine the role of this variant in disease. Therefore, it has been classified as a Variant of Uncertain Significance. Experimental studies and prediction algorithms are not available or were not evaluated, and the functional significance of this variant is currently unknown. This variant has been observed in individual(s) with clinical features of hereditary hemorrhagic telangiectasia (Invitae). This variant is not present in population databases (ExAC no frequency). This variant, c.668_685del, results in the deletion of 6 amino acid(s) of the ENG protein (p.Val223_Ser228del), but otherwise preserves the integrity of the reading frame.

NM_001114753.3(ENG):c.668_685del (p.Val223_Ser228del)

Gene: ENG (endoglin; minus strand). Cytogenetic location: 9q34.11.
Variant type: Deletion.
Coding change: c.668_685del on transcript NM_001114753.3 (MANE Select); coding-DNA positions 668 to 685, 18 bases deleted (TCCTGCCGGGCCACTCGG).
Protein change: p.Val223_Ser228del.
Molecular consequence: inframe deletion. On other transcripts: inframe indel (2).
Genome position (GRCh38, 1-based): chr9:127,825,699-127,825,716, CCGAGTGGCCCGGCAGGA deleted on the plus strand (TCCTGCCGGGCCACTCGG on the coding strand, the reverse complement: ENG is on the minus strand); deleting any 18 consecutive bases within chr9:127,825,699-127,825,718 gives the same sequence; the c. name uses the placement nearest the transcript's 3' end. VCF-style (leftmost placement, unchanged base first): chr9-127825698-GCCGAGTGGCCCGGCAGGA-G. GRCh37 (hg19) VCF-style: chr9-130587977-GCCGAGTGGCCCGGCAGGA-G.
Other names: c.666_683del18, p.Val223_Ser228del (NM_000118.4, NM_001406715.1); c.122_139del, p.Val41_Ser46del (NM_001278138.2).
Identifiers: ClinVar variation 1020579 (VCV001020579.11), dbSNP rs1830596103, ClinGen allele CA1879975668.